The following is an entry in ClinVar:

ClinVar aggregate classification (germline): Benign (1 of 4 stars; one submission).

Allele frequency attached by ClinVar (database versions not stated): gnomAD 0.10811 and 0.11285; TOPMed 0.11912; 1000 Genomes Project 0.12121; 1000 Genomes Project 30x 0.12461.
gnomAD v4.1: 16,360 of 152,200 alleles (11%); highest among the groups gnomAD compares: African/African-American, 30%; 2,008 homozygotes.

Submission:

GeneDx
Classification: Benign. Last evaluated: 2018-06-14. Review status: criteria provided, single submitter. Criteria: GeneDx Variant Classification (06012015). Collection method: clinical testing. Allele origin: germline. Affected: yes.
Comment: This variant is considered likely benign or benign based on one or more of the following criteria: it is a conservative change, it occurs at a poorly conserved position in the protein, it is predicted to be benign by multiple in silico algorithms, and/or has population frequency not consistent with disease.

NM_000642.3(AGL):c.461-279A>C

Gene: AGL (amylo-alpha-1,6-glucosidase and 4-alpha-glucanotransferase; plus strand). Cytogenetic location: 1p21.2.
Variant type: single nucleotide variant.
Coding change: c.461-279A>C on transcript NM_000642.3 (MANE Select); 279 bases into the intron before coding-DNA position 461, A replaced by C.
Molecular consequence: intron variant.
Genome position (GRCh38, 1-based): chr1:99,864,107, A>C. VCF-style: chr1-99864107-A-C. GRCh37 (hg19) VCF-style: chr1-100329663-A-C.
Other names: c.461-279A>C (NM_000643.3, NM_000644.3, NM_001425326.1 and 3 more transcripts); c.413-279A>C (NM_000646.3); c.460+1684A>C (NM_001425328.1, NM_001425329.1); c.83-279A>C (NM_001425332.1).
Identifiers: ClinVar variation 682723 (VCV000682723.1), dbSNP rs61434101, ClinGen allele CA16062068.